The following is an entry in ClinVar:

Conditions:
Arteriohepatic dysplasia. Also called: Alagille Syndrome. Identifiers: Orphanet 52, MedGen C0085280, MeSH D016738, MONDO:0007318.

Submission:

Gilbert/Spinner Lab, Children's Hospital of Philadelphia
No classification provided (evidence only). Condition: Alagille syndrome. Review status: no classification provided. Collection method: research. Allele origin: not applicable. Functional consequence: functionally_abnormal.
ClinVar note: "not provided" was previously submitted as the classification for the variant. However, the classification appeared to be based only on an observation of functional data so it was converted to no classification on 2025-07-30.

NM_000214.3(JAG1):c.864G>T (p.Trp288Cys)

Gene: JAG1 (jagged canonical Notch ligand 1; minus strand). Cytogenetic location: 20p12.2.
Variant type: single nucleotide variant.
Coding change: c.864G>T on transcript NM_000214.3 (MANE Select); coding-DNA position 864, G replaced by T.
Protein change: p.Trp288Cys; replaces tryptophan 288 with cysteine.
Molecular consequence: missense variant.
Genome position (GRCh38, 1-based): chr20:10,652,490, C>A on the plus strand (G>T on the coding strand, the complement: JAG1 is on the minus strand). VCF-style: chr20-10652490-C-A. GRCh37 (hg19) VCF-style: chr20-10633138-C-A.
Other names: short protein forms W288C.
Identifiers: ClinVar variation 3573387 (VCV003573387.2).